The following is an entry in ClinVar:

ClinVar aggregate classification (germline): Benign. Review status: criteria provided, multiple submitters, no conflicts (2 of 4 stars). 2 submissions from 2 submitters: Benign (2). Last evaluated 2016-03-29.

Allele frequency attached by ClinVar (database versions not stated): gnomAD exomes 0.53279; 1000 Genomes Project 0.54752; gnomAD 0.58640; ESP Exome Variant Server 0.58978; ExAC 0.54109; 1000 Genomes Project 30x 0.55122; TOPMed 0.57475.
gnomAD v4.1: 898,625 of 1,609,474 alleles (56%); highest among the groups gnomAD compares: African/African-American, 63%; 252,940 homozygotes.

Submissions (2):

Laboratory for Molecular Medicine, Mass General Brigham Personalized Medicine
Classification: Benign. Last evaluated: 2016-03-29. Review status: criteria provided, single submitter. Criteria: LMM Criteria. Collection method: clinical testing. Allele origin: germline.
Comment: Variant identified in a genome or exome case(s) and assessed due to predicted null impact of the variant or pathogenic assertions in the literature or databases. Disclaimer: This variant has not undergone full assessment. The following are preliminary notes: MAF

Breakthrough Genomics
Classification: Benign. Review status: criteria provided, single submitter. Criteria: ACMG Guidelines, 2015. Collection method: not provided. Allele origin: germline. Inheritance: Unknown mechanism. Affected: yes.

NC_000011.10:g.94498091C>G

Genes: ANKRD49 (ankyrin repeat domain 49; plus strand), MRE11 (MRE11 double strand break repair nuclease; minus strand). Cytogenetic location: 11q21.
Variant type: single nucleotide variant.
Molecular consequence: synonymous variant (on NM_017704.3).
Genome position: GRCh38 VCF-style: chr11-94498091-C-G. GRCh37 (hg19) VCF-style: chr11-94231257-C-G.
Other names: c.279C>G, p.Leu93= (NM_017704.3).
Identifiers: ClinVar variation 403103 (VCV000403103.6), dbSNP rs2509943, ClinGen allele CA6235617.